The following is an entry in ClinVar:

ClinVar aggregate classification (germline): Uncertain significance. Review status: criteria provided, multiple submitters, no conflicts (2 of 4 stars). 2 submissions from 2 submitters: Uncertain significance (2). Last evaluated 2025-11-09.

Conditions:
Ehlers-Danlos syndrome, classic type, 1 (EDSCL1). Also called: EDS I; EHLERS-DANLOS SYNDROME, GRAVIS TYPE; EHLERS-DANLOS SYNDROME, SEVERE CLASSIC TYPE; Ehlers-Danlos syndrome, type 1; Ehlers-Danlos Syndrome, Classic Type, COL5A1-Related. Identifiers: MedGen C0268335, MONDO:0019567, OMIM 130000.

Allele frequency attached by ClinVar (database versions not stated): gnomAD exomes below 0.00001; TOPMed 0.00002.
gnomAD v4.1: 6 of 1,613,604 alleles (0.00037%); highest among the groups gnomAD compares: Admixed American, 0.0017%; no homozygotes.

Submissions (2):

Labcorp Genetics (formerly Invitae), Labcorp
Classification: Uncertain significance for Ehlers-Danlos syndrome, classic type, 1. Last evaluated: 2025-11-09. Review status: criteria provided, single submitter. Criteria: Invitae Variant Classification Sherloc (09022015). Collection method: clinical testing. Allele origin: germline.
Comment: This sequence change replaces alanine, which is neutral and non-polar, with threonine, which is neutral and polar, at codon 1373 of the COL5A2 protein (p.Ala1373Thr). This variant is not present in population databases (gnomAD no frequency). This missense change has been observed in individual(s) with clinical features of COL5A2-related conditions (internal data). ClinVar contains an entry for this variant (Variation ID: 1491574). Invitae Evidence Modeling of protein sequence and biophysical properties (such as structural, functional, and spatial information, amino acid conservation, physicochemical variation, residue mobility, and thermodynamic stability) indicates that this missense variant is not expected to disrupt COL5A2 protein function with a negative predictive value of 80%. In summary, the available evidence is currently insufficient to determine the role of this variant in disease. Therefore, it has been classified as a Variant of Uncertain Significance.

CeGaT Center for Human Genetics Tuebingen
Classification: Uncertain significance. Last evaluated: 2024-03-01. Review status: criteria provided, single submitter. Criteria: CeGaT Center For Human Genetics Tuebingen Variant Classification Criteria Version 2. Collection method: clinical testing. Allele origin: germline. Affected: yes. Observed: 1 variant allele.
Comment: COL5A2: PM2, BP4

NM_000393.5(COL5A2):c.4117G>A (p.Ala1373Thr)

Gene: COL5A2 (collagen type V alpha 2 chain; minus strand). Cytogenetic location: 2q32.2.
Variant type: single nucleotide variant.
Coding change: c.4117G>A on transcript NM_000393.5 (MANE Select); coding-DNA position 4117, G replaced by A.
Protein change: p.Ala1373Thr; replaces alanine 1373 with threonine.
Molecular consequence: missense variant.
Genome position (GRCh38, 1-based): chr2:189,035,152, C>T on the plus strand (G>A on the coding strand, the complement: COL5A2 is on the minus strand). VCF-style: chr2-189035152-C-T. GRCh37 (hg19) VCF-style: chr2-189899878-C-T.
Other names: short protein forms A1373T.
Identifiers: ClinVar variation 1491574 (VCV001491574.28), dbSNP rs1685418656, ClinGen allele CA349855393.